The following is an entry in ClinVar:

ClinVar aggregate classification (germline): Uncertain significance (1 of 4 stars; one submission).

Conditions:
Hereditary sensory and autonomic neuropathy type 1 (HSAN1). Also called: HSAN 1; HSN Type I; Hereditary Sensory Neuropathy Type I. Identifiers: Orphanet 36386, MedGen C0020071, MONDO:0018213.

Submission:

Labcorp Genetics (formerly Invitae), Labcorp
Classification: Uncertain significance for Hereditary sensory and autonomic neuropathy type 1. Last evaluated: 2024-02-10. Review status: criteria provided, single submitter. Criteria: Invitae Variant Classification Sherloc (09022015). Collection method: clinical testing. Allele origin: germline.
Comment: This sequence change replaces serine, which is neutral and polar, with phenylalanine, which is neutral and non-polar, at codon 313 of the SPTLC1 protein (p.Ser313Phe). This variant is not present in population databases (gnomAD no frequency). This variant has not been reported in the literature in individuals affected with SPTLC1-related conditions. Advanced modeling of protein sequence and biophysical properties (such as structural, functional, and spatial information, amino acid conservation, physicochemical variation, residue mobility, and thermodynamic stability) performed at Invitae indicates that this missense variant is expected to disrupt SPTLC1 protein function with a positive predictive value of 80%. In summary, the available evidence is currently insufficient to determine the role of this variant in disease. Therefore, it has been classified as a Variant of Uncertain Significance.

NM_006415.4(SPTLC1):c.938C>T (p.Ser313Phe)

Gene: SPTLC1 (serine palmitoyltransferase long chain base subunit 1; minus strand). Cytogenetic location: 9q22.31.
Variant type: single nucleotide variant.
Coding change: c.938C>T on transcript NM_006415.4 (MANE Select); coding-DNA position 938, C replaced by T.
Protein change: p.Ser313Phe; replaces serine 313 with phenylalanine.
Molecular consequence: missense variant.
Genome position (GRCh38, 1-based): chr9:92,047,659, G>A on the plus strand (C>T on the coding strand, the complement: SPTLC1 is on the minus strand). VCF-style: chr9-92047659-G-A. GRCh37 (hg19) VCF-style: chr9-94809941-G-A.
Other names: c.938C>T, p.Ser313Phe (NM_001281303.2); c.572C>T, p.Ser191Phe (NM_001368272.1); c.473C>T, p.Ser158Phe (NM_001368273.1); short protein forms S158F, S313F, S191F.
Identifiers: ClinVar variation 3638562 (VCV003638562.2).